The following is an entry in ClinVar:

NM_024408.4(NOTCH2):c.2628G>A (p.Glu876=)

Gene: NOTCH2 (notch receptor 2; minus strand). Cytogenetic location: 1p12.
Variant type: single nucleotide variant.
Coding change: c.2628G>A on transcript NM_024408.4 (MANE Select); coding-DNA position 2628, G replaced by A.
Protein change: p.Glu876=; no amino-acid change (glutamic acid 876 retained).
Molecular consequence: synonymous variant.
Genome position (GRCh38, 1-based): chr1:119,948,538, C>T on the plus strand (G>A on the coding strand, the complement: NOTCH2 is on the minus strand). VCF-style: chr1-119948538-C-T. GRCh37 (hg19) VCF-style: chr1-120491161-C-T.
Other names: c.2628G>A, p.Glu876= (NM_001200001.2).
Identifiers: ClinVar variation 5039910 (VCV005039910.1).

ClinVar aggregate classification (germline): Uncertain significance (1 of 4 stars; one submission).

Submission:

CeGaT Center for Human Genetics Tuebingen
Classification: Uncertain significance. Last evaluated: 2026-07-01. Review status: criteria provided, single submitter. Criteria: CeGaT Center For Human Genetics Tuebingen Variant Classification Criteria Version 2. Collection method: clinical testing. Allele origin: germline. Affected: yes. Observed: 1 variant allele.
Comment: NOTCH2: PM2:Supporting, BP4